The following is an entry in ClinVar:

NM_014363.6(SACS):c.11274_11276del (p.Ile3758_Thr3759delinsMet)

Gene: SACS (sacsin molecular chaperone; minus strand). Cytogenetic location: 13q12.12.
Variant type: Deletion.
Coding change: c.11274_11276del on transcript NM_014363.6 (MANE Select); coding-DNA positions 11274 to 11276, 3 bases deleted (AAC; older notation c.11274_11276delAAC).
Protein change: p.Ile3758_Thr3759delinsMet.
Molecular consequence: inframe indel.
Genome position (GRCh38, 1-based): chr13:23,332,600-23,332,602, GTT deleted on the plus strand (AAC on the coding strand, the reverse complement: SACS is on the minus strand). VCF-style (leftmost placement, unchanged base first): chr13-23332599-CGTT-C. GRCh37 (hg19) VCF-style: chr13-23906738-CGTT-C.
Other names: c.10833_10835del, p.Ile3611_Thr3612delinsMet (NM_001278055.2); c.11274_11276delAAC (NM_014363.5, NM_014363.6); c.11274_11276del (NM_014363.4).
Identifiers: ClinVar variation 2159518 (VCV002159518.6), dbSNP rs1454517884, ClinGen allele CA696627964.

ClinVar aggregate classification (germline): Conflicting classifications of pathogenicity. Review status: criteria provided, conflicting classifications (1 of 4 stars). 6 submissions from 6 submitters: Pathogenic (1); Likely pathogenic (3); Uncertain significance (2). Last evaluated 2026-05-29.

Conditions:
Charlevoix-Saguenay spastic ataxia (SACS). Also called: SPASTIC ATAXIA 6, AUTOSOMAL RECESSIVE; AUTOSOMAL RECESSIVE SPASTIC ATAXIA OF CHARLEVOIX-SAGUENAY; Spastic ataxia of Charlevoix-Saguenay. Identifiers: Orphanet 98, MedGen C1849140, MONDO:0010041, OMIM 270550.
Spastic paraplegia. Identifiers: MedGen C0037772, HP:0001258.

Allele frequency attached by ClinVar (database versions not stated): gnomAD 0.00001; TOPMed 0.00001.

Submissions (6):

Myriad Genetics, Inc.
Classification: Likely pathogenic for Charlevoix-Saguenay spastic ataxia. Last evaluated: 2026-05-29. Review status: criteria provided, single submitter. Criteria: Myriad Autosomal Dominant, Autosomal Recessive and X-Linked Classification Criteria (2023). Collection method: clinical testing. Allele origin: unknown.
Comment: NM_014363.4(SACS):c.11274_11276delAAC(I3758_T3759delinsM) is an in-frame deletion classified as likely pathogenic in the context of autosomal recessive spastic ataxia of Charlevoix-Saguenay. I3758_T3759delinsM has been observed in cases with relevant disease (PMID: 30638817, 34663476, 35130357, Sun_2017_(Abstract)). Relevant functional assessments of this variant are not available in the literature. I3758_T3759delinsM has not been observed in referenced population frequency databases. In summary, NM_014363.4(SACS):c.11274_11276delAAC(I3758_T3759delinsM) is an in-frame deletion that has been observed more frequently in cases with the relevant disease than in healthy populations. Please note: this variant was assessed in the context of healthy population screening.

Athena Diagnostics
Classification: Uncertain significance. Last evaluated: 2024-06-10. Review status: criteria provided, single submitter. Criteria: Athena Diagnostics Criteria. Collection method: clinical testing. Allele origin: unknown.
Comment: Available data are insufficient to determine the clinical significance of the variant at this time. The frequency of this variant in the general population is uninformative in assessment of its pathogenicity. In multiple individuals with clinical features associated with this gene, this variant has been seen with a single recessive pathogenic variant in the same gene. Computational tools yielded predictions that this variant is unlikely to have an effect on normal RNA splicing.

Natera, Inc.
Classification: Likely pathogenic for Charlevoix-Saguenay type spastic ataxia. Last evaluated: 2024-04-29. Review status: criteria provided, single submitter. Criteria: Natera Variant Classification Schema (03/2026). Collection method: clinical testing. Allele origin: germline.
Comment: The c.11274_11276delAAC variant in SACS is an in-frame deletion. This variant is rare in the general population with a frequency below the threshold expected for the associated phenotype(s). This variant has been observed in one or more individuals affected with the associated recessive disease, as either homozygous or compound heterozygous with a second variant (PMID: 30638817, 35130357, 35008978). This variant results in a change to the protein length while preserving reading frame, which may disrupt normal protein structure or function. Given the available evidence, this variant is classified as Likely Pathogenic.

Women's Health and Genetics/Laboratory Corporation of America, LabCorp
Classification: Likely pathogenic for Charlevoix-Saguenay spastic ataxia. Last evaluated: 2023-11-13. Review status: criteria provided, single submitter. Criteria: LabCorp Variant Classification Summary - May 2015. Collection method: clinical testing. Allele origin: germline.
Comment: Variant summary: SACS c.11274_11276delAAC (p.Ile3758_Thr3759delinsMet) results in an in-frame deletion-insertion that is predicted to delete Ile/ Thr and insert Met amino acid to the protein. The variant was absent in 250826 control chromosomes (gnomAD). c.11274_11276delAAC has been reported in the literature in individuals affected with Autosomal Recessive Spastic Ataxia Of Charlevoix-Saguenay (examples: RezendeFilho_2018, Vural_2021, Chen_2022, Caker_2022). These data indicate that the variant is likely to be associated with disease. To our knowledge, no experimental evidence demonstrating an impact on protein function has been reported. The following publications have been ascertained in the context of this evaluation (PMID: 30638817, 33624863, 34663476, 35130357). One submitter has cited clinical-significance assessments for this variant to ClinVar after 2014 and has classified the variant as uncertain significance. Based on the evidence outlined above, the variant was classified as likely pathogenic.

Baylor Genetics
Classification: Pathogenic for Charlevoix-Saguenay spastic ataxia. Last evaluated: 2023-08-15. Review status: criteria provided, single submitter. Criteria: ACMG Guidelines, 2015. Collection method: clinical testing. Allele origin: unknown.

Labcorp Genetics (formerly Invitae), Labcorp
Classification: Uncertain significance for Spastic paraplegia. Last evaluated: 2022-08-23. Review status: criteria provided, single submitter. Criteria: Invitae Variant Classification Sherloc (09022015). Collection method: clinical testing. Allele origin: germline.
Comment: This variant, c.11274_11276del, is a complex sequence change that results in the deletion of 1 amino acid amino acid(s) in the SACS protein (p.Ile3758_Thr3759delinsMet). This variant is not present in population databases (gnomAD no frequency). This variant has been observed in individual(s) with clinical features of SACS-related conditions (PMID: 30638817, 33624863). Experimental studies and prediction algorithms are not available or were not evaluated, and the functional significance of this variant is currently unknown. In summary, the available evidence is currently insufficient to determine the role of this variant in disease. Therefore, it has been classified as a Variant of Uncertain Significance.

Literature cited by the submitters: PubMed 35130357 (cited by 3 submitters); PubMed 34663476 (cited by Athena Diagnostics and Women's Health and Genetics/Laboratory Corporation of America, LabCorp); PubMed 33624863 (cited by 3 submitters); PubMed 30638817 (cited by 4 submitters); PubMed 35008978 (cited by Natera, Inc.).